The following is an entry in ClinVar:

ClinVar aggregate classification (germline): Uncertain significance. Review status: criteria provided, multiple submitters, no conflicts (2 of 4 stars). 6 submissions from 6 submitters: Uncertain significance (6). Last evaluated 2025-02-20.

Conditions:
Congenital myasthenic syndrome 5. Identifiers: Orphanet 590, MedGen C1864233, MONDO:0011281, OMIM 603034.

Allele frequency attached by ClinVar (database versions not stated): gnomAD 0.00022 and 0.00023; TOPMed 0.00029; ExAC 0.00034; gnomAD exomes 0.00034 and 0.00057; ESP Exome Variant Server 0.00046.
gnomAD v4.1: 864 of 1,613,992 alleles (0.054%); highest among the groups gnomAD compares: Non-Finnish European, 0.07%; no homozygotes.

Submissions (6):

Mayo Clinic Laboratories, Mayo Clinic
Classification: Uncertain significance. Last evaluated: 2025-02-20. Review status: criteria provided, single submitter. Criteria: ACMG Guidelines, 2015. Collection method: clinical testing. Allele origin: germline. Observed: 1 variant allele.
Comment: PP3

Blueprint Genetics
Classification: Uncertain significance. Last evaluated: 2024-11-15. Review status: criteria provided, single submitter. Criteria: ACMG Guidelines, 2015. Collection method: clinical testing. Allele origin: germline.

Labcorp Genetics (formerly Invitae), Labcorp
Classification: Uncertain significance for Congenital myasthenic syndrome 5. Last evaluated: 2022-10-17. Review status: criteria provided, single submitter. Criteria: Invitae Variant Classification Sherloc (09022015). Collection method: clinical testing. Allele origin: germline.
Comment: This sequence change replaces glycine, which is neutral and non-polar, with alanine, which is neutral and non-polar, at codon 246 of the COLQ protein (p.Gly246Ala). This variant is present in population databases (rs146687198, gnomAD 0.06%). This variant has not been reported in the literature in individuals affected with COLQ-related conditions. ClinVar contains an entry for this variant (Variation ID: 468347). Advanced modeling of protein sequence and biophysical properties (such as structural, functional, and spatial information, amino acid conservation, physicochemical variation, residue mobility, and thermodynamic stability) performed at Invitae indicates that this missense variant is not expected to disrupt COLQ protein function. In summary, the available evidence is currently insufficient to determine the role of this variant in disease. Therefore, it has been classified as a Variant of Uncertain Significance.

Revvity Omics, Revvity
Classification: Uncertain significance for Congenital myasthenic syndrome 5. Last evaluated: 2019-05-08. Review status: criteria provided, single submitter. Criteria: ACMG Guidelines, 2015. Collection method: clinical testing. Allele origin: germline.

Illumina Laboratory Services, Illumina
Classification: Uncertain significance for Congenital myasthenic syndrome 5. Last evaluated: 2017-04-28. Review status: criteria provided, single submitter. Criteria: ICSL Variant Classification Criteria 13 December 2019. Collection method: clinical testing. Allele origin: germline.

Eurofins Ntd Llc (ga)
Classification: Uncertain significance. Last evaluated: 2017-03-29. Review status: criteria provided, single submitter. Criteria: EGL Classification Definitions 2015. Collection method: clinical testing. Allele origin: germline. Observed: 1 variant allele, 1 heterozygote.

NM_005677.4(COLQ):c.737G>C (p.Gly246Ala)

Gene: COLQ (collagen like tail subunit of asymmetric acetylcholinesterase; minus strand). Cytogenetic location: 3p25.1.
Variant type: single nucleotide variant.
Coding change: c.737G>C on transcript NM_005677.4 (MANE Select); coding-DNA position 737, G replaced by C.
Protein change: p.Gly246Ala; replaces glycine 246 with alanine.
Molecular consequence: missense variant.
Genome position (GRCh38, 1-based): chr3:15,466,418, C>G on the plus strand (G>C on the coding strand, the complement: COLQ is on the minus strand). VCF-style: chr3-15466418-C-G. GRCh37 (hg19) VCF-style: chr3-15507925-C-G.
Other names: p.Gly246Ala; c.707G>C, p.Gly236Ala (NM_080538.2); c.635G>C, p.Gly212Ala (NM_080539.4); short protein forms G246A, G212A, G236A.
Identifiers: ClinVar variation 468347 (VCV000468347.17), dbSNP rs146687198, ClinGen allele CA2275981.
Genomic context (GRCh38, chr3:15,466,418, plus strand): 5'-GGGGGCCCCGGACGGCCAGGTTGACCAGAAGGCCCAGGCTTGCCTGGTGGGCCCATAACT[C>G]CACTATCCCCTTTCTGTCCCTGACAGAGAGAAAGGCAGAGCCTGTTATGAAAGCATGACA-3'
Protein context (NP_005668.2, residues 236-256): RGKQGQKGDS[Gly246Ala]VMGPPGKPGP